The following is an entry in ClinVar:

ClinVar aggregate classification (germline): Uncertain significance (1 of 4 stars; one submission).

Conditions:
Inborn genetic diseases. Identifiers: MedGen C0950123, MeSH D030342.

Allele frequency attached by ClinVar (database versions not stated): ExAC 0.00006.
gnomAD v4.1: 4 of 1,503,254 alleles (0.00027%); highest among the groups gnomAD compares: African/African-American, 0.0029%; no homozygotes.

Submission:

Ambry Genetics
Classification: Uncertain significance for Inborn genetic diseases. Last evaluated: 2024-03-08. Review status: criteria provided, single submitter. Criteria: Ambry Variant Classification Scheme 2023. Collection method: clinical testing. Allele origin: germline.
Comment: The p.F266L variant (also known as c.798C>A), located in coding exon 1 of the SMAD6 gene, results from a C to A substitution at nucleotide position 798. The phenylalanine at codon 266 is replaced by leucine, an amino acid with highly similar properties. This amino acid position is conserved. In addition, this alteration is predicted to be tolerated by in silico analysis. Based on the available evidence, the clinical significance of this alteration remains unclear.

NM_005585.5(SMAD6):c.798C>A (p.Phe266Leu)

Gene: SMAD6 (SMAD family member 6; plus strand). Cytogenetic location: 15q22.31.
Variant type: single nucleotide variant.
Coding change: c.798C>A on transcript NM_005585.5 (MANE Select); coding-DNA position 798, C replaced by A.
Protein change: p.Phe266Leu; replaces phenylalanine 266 with leucine.
Molecular consequence: missense variant. On other transcripts: non-coding transcript variant (1).
Genome position (GRCh38, 1-based): chr15:66,704,056, C>A. VCF-style: chr15-66704056-C-A. GRCh37 (hg19) VCF-style: chr15-66996394-C-A.
Other names: short protein forms F266L.
Identifiers: ClinVar variation 3224808 (VCV003224808.1), dbSNP rs758794528, ClinGen allele CA7626534.